The following is an entry in ClinVar:

ClinVar aggregate classification (germline): Uncertain significance (1 of 4 stars; one submission).

Conditions:
Epilepsy, progressive myoclonic, 1B. Also called: PME. Identifiers: Orphanet 308, MedGen C2676254, MONDO:0012904, OMIM 612437.

Submission:

Labcorp Genetics (formerly Invitae), Labcorp
Classification: Uncertain significance for Epilepsy, progressive myoclonic, 1B. Last evaluated: 2022-11-15. Review status: criteria provided, single submitter. Criteria: Invitae Variant Classification Sherloc (09022015). Collection method: clinical testing. Allele origin: germline.
Comment: This sequence change replaces arginine, which is basic and polar, with tryptophan, which is neutral and slightly polar, at codon 68 of the PRICKLE1 protein (p.Arg68Trp). This variant is not present in population databases (gnomAD no frequency). This variant has not been reported in the literature in individuals affected with PRICKLE1-related conditions. Advanced modeling of protein sequence and biophysical properties (such as structural, functional, and spatial information, amino acid conservation, physicochemical variation, residue mobility, and thermodynamic stability) performed at Invitae indicates that this missense variant is expected to disrupt PRICKLE1 protein function. In summary, the available evidence is currently insufficient to determine the role of this variant in disease. Therefore, it has been classified as a Variant of Uncertain Significance.

NM_153026.3(PRICKLE1):c.202C>T (p.Arg68Trp)

Gene: PRICKLE1 (prickle planar cell polarity protein 1; minus strand). Cytogenetic location: 12q12.
Variant type: single nucleotide variant.
Coding change: c.202C>T on transcript NM_153026.3 (MANE Select); coding-DNA position 202, C replaced by T.
Protein change: p.Arg68Trp; replaces arginine 68 with tryptophan.
Molecular consequence: missense variant.
Genome position (GRCh38, 1-based): chr12:42,470,290, G>A on the plus strand (C>T on the coding strand, the complement: PRICKLE1 is on the minus strand). VCF-style: chr12-42470290-G-A. GRCh37 (hg19) VCF-style: chr12-42864092-G-A.
Other names: c.202C>T, p.Arg68Trp (NM_001144881.2, NM_001144882.2, NM_001144883.2); short protein forms R68W.
Identifiers: ClinVar variation 2148613 (VCV002148613.4), dbSNP rs1305368228, ClinGen allele CA384444522.